The following is an entry in ClinVar:

NM_000094.4(COL7A1):c.8129del (p.Gly2710fs)

Gene: COL7A1 (collagen type VII alpha 1 chain; minus strand). Cytogenetic location: 3p21.31.
Variant type: Deletion.
Coding change: c.8129del on transcript NM_000094.4 (MANE Select); coding-DNA position 8129, one base deleted (G; older notation c.8129delG).
Protein change: p.Gly2710fs; shifts the reading frame from glycine 2710.
Molecular consequence: frameshift variant.
Genome position (GRCh38, 1-based): chr3:48,567,004, C deleted on the plus strand (G on the coding strand, the reverse complement: COL7A1 is on the minus strand); the first of 5 consecutive C bases (chr3:48,567,004-48,567,008); deleting any one gives the same sequence. VCF-style (leftmost placement, unchanged base first): chr3-48567003-GC-G. GRCh37 (hg19) VCF-style: chr3-48604436-GC-G.
Other names: short protein forms G2710fs.
Identifiers: ClinVar variation 5013455 (VCV005013455.1).

ClinVar aggregate classification (germline): Pathogenic (1 of 4 stars; one submission).

Conditions:
Recessive dystrophic epidermolysis bullosa (RDEB). Also called: DYSTROPHIC EPIDERMOLYSIS BULLOSA, AUTOSOMAL RECESSIVE; EPIDERMOLYSIS BULLOSA DYSTROPHICA, HALLOPEAU-SIEMENS TYPE; Hallopeau-Siemens Disease; severe generalized recessive dystrophic epidermolysis bullosa; EPIDERMOLYSIS BULLOSA DYSTROPHICA, GENERALIZED SEVERE, AUTOSOMAL RECESSIVE; Epidermolysis Bullosa Distrophica Autosomal Recessive (RDEB). Identifiers: Orphanet 79408, Orphanet 79409, MedGen C0079474, MONDO:0009179, OMIM 226600.

Submission:

Myriad Genetics, Inc.
Classification: Pathogenic for Recessive dystrophic epidermolysis bullosa. Last evaluated: 2024-08-15. Review status: criteria provided, single submitter. Criteria: Myriad Autosomal Dominant, Autosomal Recessive and X-Linked Classification Criteria (2023). Collection method: clinical testing. Allele origin: unknown.
Comment: NM_000094.3(COL7A1):c.8129delG(G2710Afs*76) is expected to be pathogenic in the context of dystrophic epidermolysis bullosa. This variant is predicted to lead to an abnormal or absent protein product due to the creation of a premature termination codon in COL7A1, a gene where loss-of-function variants are known to be pathogenic. Please note: this variant was assessed in the context of healthy population screening.